The following is an entry in ClinVar:

NM_001370259.2(MEN1):c.130G>A (p.Val44Met)

Gene: MEN1 (menin 1; minus strand). Cytogenetic location: 11q13.1.
Variant type: single nucleotide variant.
Coding change: c.130G>A on transcript NM_001370259.2 (MANE Select); coding-DNA position 130, G replaced by A.
Protein change: p.Val44Met; replaces valine 44 with methionine.
Molecular consequence: missense variant.
Genome position (GRCh38, 1-based): chr11:64,809,980, C>T on the plus strand (G>A on the coding strand, the complement: MEN1 is on the minus strand). VCF-style: chr11-64809980-C-T. GRCh37 (hg19) VCF-style: chr11-64577452-C-T.
Other names: c.130G>A, p.Val44Met (NM_000244.4, NM_001370251.2, NM_001370260.2 and 20 more transcripts); short protein forms V44M.
Identifiers: ClinVar variation 1769629 (VCV001769629.6), dbSNP rs2136192931, ClinGen allele CA381187869.

ClinVar aggregate classification (germline): Uncertain significance. Review status: criteria provided, multiple submitters, no conflicts (2 of 4 stars). 2 submissions from 2 submitters: Uncertain significance (2). Last evaluated 2026-04-01.

Conditions:
Hereditary cancer-predisposing syndrome. Also called: Neoplastic Syndromes, Hereditary; Tumor predisposition; Hereditary Cancer Syndrome; Hereditary neoplastic syndrome. Identifiers: Orphanet 140162, MedGen C0027672, MeSH D009386, MONDO:0015356.
Multiple endocrine neoplasia, type 1 (MEN1). Also called: MEN I; WERMER SYNDROME; Endocrine adenomatosis multiple; MEN 1; MEA I. Identifiers: Orphanet 652, MedGen C0025267, MeSH D018761, MONDO:0007540, OMIM 131100.

Allele frequency attached by ClinVar (database versions not stated): gnomAD exomes below 0.00001.

Submissions (2):

Ambry Genetics
Classification: Uncertain significance for Hereditary cancer-predisposing syndrome. Last evaluated: 2026-04-01. Review status: criteria provided, single submitter. Criteria: Ambry Variant Classification Scheme 2023. Collection method: clinical testing. Allele origin: germline.
Comment: The p.V44M variant (also known as c.130G>A), located in coding exon 1 of the MEN1 gene, results from a G to A substitution at nucleotide position 130. The valine at codon 44 is replaced by methionine, an amino acid with highly similar properties. This amino acid position is conserved. In addition, this alteration is predicted to be deleterious by in silico analysis. Since supporting evidence is limited at this time, the clinical significance of this alteration remains unclear.

Labcorp Genetics (formerly Invitae), Labcorp
Classification: Uncertain significance for Multiple endocrine neoplasia, type 1. Last evaluated: 2023-11-12. Review status: criteria provided, single submitter. Criteria: Invitae Variant Classification Sherloc (09022015). Collection method: clinical testing. Allele origin: germline.
Comment: This sequence change replaces valine, which is neutral and non-polar, with methionine, which is neutral and non-polar, at codon 44 of the MEN1 protein (p.Val44Met). This variant is not present in population databases (gnomAD no frequency). This variant has not been reported in the literature in individuals affected with MEN1-related conditions. ClinVar contains an entry for this variant (Variation ID: 1769629). Advanced modeling of protein sequence and biophysical properties (such as structural, functional, and spatial information, amino acid conservation, physicochemical variation, residue mobility, and thermodynamic stability) performed at Invitae indicates that this missense variant is expected to disrupt MEN1 protein function with a positive predictive value of 95%. In summary, the available evidence is currently insufficient to determine the role of this variant in disease. Therefore, it has been classified as a Variant of Uncertain Significance.